The following is an entry in ClinVar:

ClinVar aggregate classification (germline): Likely benign (1 of 4 stars; one submission).

Allele frequency attached by ClinVar (database versions not stated): gnomAD 0.00003; gnomAD exomes 0.00001; ExAC 0.00001.

Submission:

GeneDx
Classification: Likely benign. Last evaluated: 2016-05-19. Review status: criteria provided, single submitter. Criteria: GeneDx Variant Classification (06012015). Collection method: clinical testing. Allele origin: germline. Affected: yes.
Comment: This variant is considered likely benign or benign based on one or more of the following criteria: it is a conservative change, it occurs at a poorly conserved position in the protein, it is predicted to be benign by multiple in silico algorithms, and/or has population frequency not consistent with disease.

NM_000179.3(MSH6):c.-50C>G

Genes: MSH6 (mutS homolog 6; plus strand), LOC129933706 (ATAC-STARR-seq lymphoblastoid silent region 11467; plus strand). Cytogenetic location: 2p16.3.
Variant type: single nucleotide variant.
Coding change: c.-50C>G on transcript NM_000179.3 (MANE Select); 50 bases upstream of the start codon, C replaced by G.
Molecular consequence: 5 prime UTR variant.
Genome position (GRCh38, 1-based): chr2:47,783,184, C>G. VCF-style: chr2-47783184-C-G. GRCh37 (hg19) VCF-style: chr2-48010323-C-G.
Other names: c.-786C>G (NM_001281493.2); c.-50C>G (NM_001281492.2).
Identifiers: ClinVar variation 386488 (VCV000386488.1), dbSNP rs755310531, ClinGen allele CA073095.
Genomic context (GRCh38, chr2:47,783,184, plus strand): 5'-CGGCGGAGCGCGCCTCCCCCCAGATTTCCCGCCAGCAGGAGCCGCGCGGTAGATGCGGTG[C>G]TTTTAGGAGCTCCGTCCGACAGAACGGTTGGGCCTTGCCGGCTGTCGGTATGTCGCGACA-3'